The following is an entry in ClinVar:

ClinVar aggregate classification (germline): Uncertain significance (1 of 4 stars; one submission).

Conditions:
Dilated cardiomyopathy 1G (CMD1G). Identifiers: Orphanet 154, MedGen C1858763, MONDO:0011400, OMIM 604145.
Autosomal recessive limb-girdle muscular dystrophy type 2J (LGMDR10). Also called: Limb-girdle muscular dystrophy, type 2J; MUSCULAR DYSTROPHY, LIMB-GIRDLE, AUTOSOMAL RECESSIVE 10. Identifiers: Orphanet 140922, MedGen C1837342, MONDO:0012127, OMIM 608807.

Allele frequency attached by ClinVar (database versions not stated): gnomAD exomes below 0.00001.
gnomAD v4.1: 1 of 1,613,950 alleles (0.000062%); highest among the groups gnomAD compares: Non-Finnish European, 0.000085%; no homozygotes.

Submission:

Labcorp Genetics (formerly Invitae), Labcorp
Classification: Uncertain significance for Dilated cardiomyopathy 1G; Autosomal recessive limb-girdle muscular dystrophy type 2J. Last evaluated: 2022-05-22. Review status: criteria provided, single submitter. Criteria: Invitae Variant Classification Sherloc (09022015). Collection method: clinical testing. Allele origin: germline.
Comment: In summary, the available evidence is currently insufficient to determine the role of this variant in disease. Therefore, it has been classified as a Variant of Uncertain Significance. This variant is located in the M band of TTN (PMID: 25589632). Variants in this region may be relevant for neuromuscular disorders, but have not been definitively shown to cause cardiomyopathy (PMID: 23975875). Experimental studies and prediction algorithms are not available or were not evaluated, and the functional significance of this variant is currently unknown. This variant has not been reported in the literature in individuals affected with TTN-related conditions. This variant is not present in population databases (gnomAD no frequency). This sequence change replaces aspartic acid, which is acidic and polar, with glycine, which is neutral and non-polar, at codon 34163 of the TTN protein (p.Asp34163Gly).

Literature cited by the submitters: PubMed 25589632; PubMed 23975875.

NM_001267550.2(TTN):c.102488A>G (p.Asp34163Gly)

Genes: TTN (titin; minus strand), TTN-AS1 (TTN antisense RNA 1; plus strand). Cytogenetic location: 2q31.2.
Variant type: single nucleotide variant.
Coding change: c.102488A>G on transcript NM_001267550.2 (MANE Select); coding-DNA position 102488, A replaced by G.
Protein change: p.Asp34163Gly; replaces aspartic acid 34163 with glycine.
Molecular consequence: missense variant.
Genome position (GRCh38, 1-based): chr2:178,534,127, T>C on the plus strand (A>G on the coding strand, the complement: TTN is on the minus strand). VCF-style: chr2-178534127-T-C. GRCh37 (hg19) VCF-style: chr2-179398854-T-C.
Other names: c.97565A>G, p.Asp32522Gly (NM_001256850.1); c.75293A>G, p.Asp25098Gly (NM_003319.4); c.94784A>G, p.Asp31595Gly (NM_133378.4); c.75668A>G, p.Asp25223Gly (NM_133432.3); c.75869A>G, p.Asp25290Gly (NM_133437.4); short protein forms D31595G, D32522G, D34163G, D25223G, D25098G, D25290G.
Identifiers: ClinVar variation 1998115 (VCV001998115.4), dbSNP rs2468522825, ClinGen allele CA349417424.